The following is an entry in ClinVar:

NM_002547.3(OPHN1):c.2362C>T (p.Arg788Trp)

Gene: OPHN1 (oligophrenin 1; minus strand). Cytogenetic location: Xq12.
Variant type: single nucleotide variant.
Coding change: c.2362C>T on transcript NM_002547.3 (MANE Select); coding-DNA position 2362, C replaced by T.
Protein change: p.Arg788Trp; replaces arginine 788 with tryptophan.
Molecular consequence: missense variant.
Genome position (GRCh38, 1-based): chrX:68,052,553, G>A on the plus strand (C>T on the coding strand, the complement: OPHN1 is on the minus strand). VCF-style: chrX-68052553-G-A. GRCh37 (hg19) VCF-style: chrX-67272395-G-A.
Other names: short protein forms R788W.
Identifiers: ClinVar variation 378314 (VCV000378314.64), dbSNP rs148208753, ClinGen allele CA10436737.

ClinVar aggregate classification (germline): Benign/Likely benign. Review status: criteria provided, multiple submitters, no conflicts (2 of 4 stars). 12 submissions from 12 submitters: Benign (2); Likely benign (6). 4 of the submissions do not count toward it. Last evaluated 2025-07-09.

Conditions:
Inborn genetic diseases. Identifiers: MedGen C0950123, MeSH D030342.
OPHN1-related disorder.
Intellectual developmental disorder, X-linked, syndromic, Billuart type. Also called: X-linked intellectual disability-cerebellar hypoplasia syndrome; MENTAL RETARDATION, X-LINKED 60. Identifiers: Orphanet 137831, MedGen C1845366, MONDO:0010337, OMIM 300486.

Allele frequency attached by ClinVar (database versions not stated): gnomAD 0.00016 and 0.00017; gnomAD exomes 0.00011 and 0.00024; ESP Exome Variant Server 0.00019; TOPMed 0.00018.
gnomAD v4.1: 150 of 1,204,966 alleles (0.012%); highest among the groups gnomAD compares: Middle Eastern, 0.21%; 1 homozygote.

Submissions (12):

Labcorp Genetics (formerly Invitae), Labcorp
Classification: Benign. Last evaluated: 2025-07-09. Review status: criteria provided, single submitter. Criteria: Invitae Variant Classification Sherloc (09022015). Collection method: clinical testing. Allele origin: germline.

CeGaT Center for Human Genetics Tuebingen
Classification: Likely benign. Last evaluated: 2024-08-01. Review status: criteria provided, single submitter. Criteria: CeGaT Center For Human Genetics Tuebingen Variant Classification Criteria Version 2. Collection method: clinical testing. Allele origin: germline. Affected: yes. Observed: 5 variant alleles.
Comment: OPHN1: PM5, BS2

Blueprint Genetics
Classification: Likely benign. Last evaluated: 2024-05-30. Review status: criteria provided, single submitter. Criteria: ACMG Guidelines, 2015. Collection method: clinical testing. Allele origin: germline.

Fulgent Genetics
Classification: Likely benign for Intellectual developmental disorder, X-linked, syndromic, Billuart type. Last evaluated: 2021-09-29. Review status: criteria provided, single submitter. Criteria: ACMG Guidelines, 2015. Collection method: clinical testing. Allele origin: unknown.

GeneDx
Classification: Likely benign. Last evaluated: 2020-10-20. Review status: criteria provided, single submitter. Criteria: GeneDx Variant Classification Process June 2021. Collection method: clinical testing. Allele origin: germline. Affected: yes.
Comment: This variant is associated with the following publications: (PMID: 23552953)

Eurofins Ntd Llc (ga)
Classification: Likely benign. Last evaluated: 2018-08-23. Review status: criteria provided, single submitter. Criteria: EGL ClinVar v180209 classification definitions. Collection method: clinical testing. Allele origin: germline. Observed: 1 variant allele, 1 hemizygote.

Ambry Genetics
Classification: Benign for Inborn genetic diseases. Last evaluated: 2017-11-13. Review status: criteria provided, single submitter. Criteria: Ambry Variant Classification Scheme 2023. Collection method: clinical testing. Allele origin: germline.

Breakthrough Genomics
Classification: Likely benign. Review status: criteria provided, single submitter. Criteria: ACMG Guidelines, 2015. Collection method: not provided. Allele origin: germline. Inheritance: X-linked inheritance. Affected: yes.

PreventionGenetics, part of Exact Sciences
Classification: Likely benign for OPHN1-related condition. Last evaluated: 2021-07-05. Review status: no assertion criteria provided. Collection method: clinical testing. Allele origin: germline. Not counted in ClinVar's aggregate classification.
Comment: This variant is classified as likely benign based on ACMG/AMP sequence variant interpretation guidelines (Richards et al. 2015 PMID: 25741868, with internal and published modifications).

Clinical Genetics DNA and cytogenetics Diagnostics Lab, Erasmus MC, Erasmus Medical Center
Classification: Likely benign. Review status: no assertion criteria provided. Collection method: clinical testing. Allele origin: germline. Affected: yes. Study: VKGL Data-share Consensus. Not counted in ClinVar's aggregate classification.

Genome Diagnostics Laboratory, University Medical Center Utrecht
Classification: Likely benign. Review status: no assertion criteria provided. Collection method: clinical testing. Allele origin: germline. Affected: yes. Study: VKGL Data-share Consensus. Not counted in ClinVar's aggregate classification.

Laboratory of Diagnostic Genome Analysis, Leiden University Medical Center (LUMC)
Classification: Likely benign. Review status: no assertion criteria provided. Collection method: clinical testing. Allele origin: germline. Affected: yes. Study: VKGL Data-share Consensus. Not counted in ClinVar's aggregate classification.